The following is an entry in ClinVar:

ClinVar aggregate classification (germline): Uncertain significance. Review status: criteria provided, multiple submitters, no conflicts (2 of 4 stars). 2 submissions from 2 submitters: Uncertain significance (2). Last evaluated 2025-08-25.

Conditions:
Nemaline myopathy 2 (NEM2). Also called: Nemaline myopathy 2, autosomal recessive. Identifiers: MedGen C1850569, MONDO:0009725, OMIM 256030.
Inborn genetic diseases. Identifiers: MedGen C0950123, MeSH D030342.

Allele frequency attached by ClinVar (database versions not stated): gnomAD exomes 0.00001; TOPMed 0.00002; ExAC 0.00003.
gnomAD v4.1: 15 of 1,613,856 alleles (0.00093%); highest among the groups gnomAD compares: East Asian, 0.0045%; no homozygotes.

Submissions (2):

Ambry Genetics
Classification: Uncertain significance for Inborn genetic diseases. Last evaluated: 2025-08-25. Review status: criteria provided, single submitter. Criteria: Ambry Variant Classification Scheme 2023. Collection method: clinical testing. Allele origin: germline.

Labcorp Genetics (formerly Invitae), Labcorp
Classification: Uncertain significance for Nemaline myopathy 2. Last evaluated: 2022-10-18. Review status: criteria provided, single submitter. Criteria: Invitae Variant Classification Sherloc (09022015). Collection method: clinical testing. Allele origin: germline.
Comment: This sequence change replaces arginine, which is basic and polar, with glutamine, which is neutral and polar, at codon 3781 of the NEB protein (p.Arg3781Gln). This variant is present in population databases (rs747898598, gnomAD 0.01%). This variant has not been reported in the literature in individuals affected with NEB-related conditions. Algorithms developed to predict the effect of missense changes on protein structure and function are either unavailable or do not agree on the potential impact of this missense change (SIFT: "Deleterious"; PolyPhen-2: "Not Available"; Align-GVGD: "Class C0"). In summary, the available evidence is currently insufficient to determine the role of this variant in disease. Therefore, it has been classified as a Variant of Uncertain Significance.

NM_001164508.2(NEB):c.11342G>A (p.Arg3781Gln)

Gene: NEB (nebulin; minus strand). Cytogenetic location: 2q23.3.
Variant type: single nucleotide variant.
Coding change: c.11342G>A on transcript NM_001164508.2 (MANE Select); coding-DNA position 11342, G replaced by A.
Protein change: p.Arg3781Gln; replaces arginine 3781 with glutamine.
Molecular consequence: missense variant.
Genome position (GRCh38, 1-based): chr2:151,614,535, C>T on the plus strand (G>A on the coding strand, the complement: NEB is on the minus strand). VCF-style: chr2-151614535-C-T. GRCh37 (hg19) VCF-style: chr2-152471049-C-T.
Other names: c.11342G>A, p.Arg3781Gln (NM_001164507.2, NM_001271208.2); c.10613G>A, p.Arg3538Gln (NM_004543.5); c.10613G>A (NM_004543.4); short protein forms R3781Q, R3538Q.
Identifiers: ClinVar variation 2197502 (VCV002197502.2), dbSNP rs747898598, ClinGen allele CA1908770.